The following is an entry in ClinVar:

NM_198252.3(GSN):c.2041G>A (p.Glu681Lys)

Gene: GSN (gelsolin; plus strand). Cytogenetic location: 9q33.2.
Variant type: single nucleotide variant.
Coding change: c.2041G>A on transcript NM_198252.3 (MANE Select); coding-DNA position 2041, G replaced by A.
Protein change: p.Glu681Lys; replaces glutamic acid 681 with lysine.
Molecular consequence: missense variant.
Genome position (GRCh38, 1-based): chr9:121,332,448, G>A. VCF-style: chr9-121332448-G-A. GRCh37 (hg19) VCF-style: chr9-124094726-G-A.
Other names: c.2194G>A, p.Glu732Lys (NM_000177.5); c.2041G>A, p.Glu681Lys (NM_001127662.2, NM_001127664.2, NM_001127665.2 and 10 more transcripts); c.2149G>A, p.Glu717Lys (NM_001127663.2); c.2074G>A, p.Glu692Lys (NM_001127666.2, NM_001127667.2, NM_001353068.2 and 13 more transcripts); c.2092G>A, p.Glu698Lys (NM_001258029.2); c.2065G>A, p.Glu689Lys (NM_001258030.2); c.2113G>A, p.Glu705Lys (NM_001353076.2); c.1387G>A, p.Glu463Lys (NM_001353078.2); short protein forms E681K, E692K, E463K, E698K, E705K, E689K, E717K, E732K.
Identifiers: ClinVar variation 1355051 (VCV001355051.13), dbSNP rs545428148, ClinGen allele CA199416440.

ClinVar aggregate classification (germline): Uncertain significance. Review status: criteria provided, multiple submitters, no conflicts (2 of 4 stars). 4 submissions from 4 submitters: Uncertain significance (4). Last evaluated 2025-12-09.

Conditions:
Finnish type amyloidosis. Also called: Lattice corneal dystrophy associated with familial systemic amyloidosis; Meretoja's syndrome; Lattice dystrophy of the cornea with hereditary generalized amyloidosis; AMYLOIDOSIS, HEREDITARY SYSTEMIC 4, FINNISH TYPE; Amyloidosis, familial, Finnish type; Meretoja type amyloidosis. Identifiers: Orphanet 85448, MedGen C1622345, MONDO:0007097, OMIM 105120.
GSN-related disorder. Also called: GSN-related condition.
Inborn genetic diseases. Identifiers: MedGen C0950123, MeSH D030342.

Allele frequency attached by ClinVar (database versions not stated): gnomAD 0.00001 and 0.00002; gnomAD exomes 0.00003; TOPMed 0.00003.
gnomAD v4.1: 46 of 1,614,112 alleles (0.0028%); highest among the groups gnomAD compares: Non-Finnish European, 0.0038%; no homozygotes.

Submissions (4):

PreventionGenetics, part of Exact Sciences
Classification: Uncertain significance for GSN-related condition. Last evaluated: 2025-12-09. Review status: criteria provided, single submitter. Criteria: ACMG Guidelines, 2015. Collection method: clinical testing. Allele origin: germline.
Comment: The GSN c.2194G>A variant is predicted to result in the amino acid substitution p.Glu732Lys. To our knowledge, this variant has not been reported in the literature. This variant is reported in 0.0065% of alleles in individuals of European (non-Finnish) descent in gnomAD. At this time, the clinical significance of this variant is uncertain due to the absence of conclusive functional and genetic evidence.

Ambry Genetics
Classification: Uncertain significance for Inborn genetic diseases. Last evaluated: 2025-08-13. Review status: criteria provided, single submitter. Criteria: Ambry Variant Classification Scheme 2023. Collection method: clinical testing. Allele origin: germline.

Labcorp Genetics (formerly Invitae), Labcorp
Classification: Uncertain significance. Last evaluated: 2025-04-08. Review status: criteria provided, single submitter. Criteria: Invitae Variant Classification Sherloc (09022015). Collection method: clinical testing. Allele origin: germline.
Comment: This sequence change replaces glutamic acid, which is acidic and polar, with lysine, which is basic and polar, at codon 732 of the GSN protein (p.Glu732Lys). This variant is present in population databases (rs545428148, gnomAD 0.007%). This variant has not been reported in the literature in individuals affected with GSN-related conditions. ClinVar contains an entry for this variant (Variation ID: 1355051). Invitae Evidence Modeling of protein sequence and biophysical properties (such as structural, functional, and spatial information, amino acid conservation, physicochemical variation, residue mobility, and thermodynamic stability) indicates that this missense variant is not expected to disrupt GSN protein function with a negative predictive value of 80%. In summary, the available evidence is currently insufficient to determine the role of this variant in disease. Therefore, it has been classified as a Variant of Uncertain Significance.

Fulgent Genetics
Classification: Uncertain significance for Finnish type amyloidosis. Last evaluated: 2021-09-04. Review status: criteria provided, single submitter. Criteria: ACMG Guidelines, 2015. Collection method: clinical testing. Allele origin: unknown.